The following is an entry in ClinVar:

NM_000551.4(VHL):c.*3021T>C

Genes: VHL (von Hippel-Lindau tumor suppressor; plus strand), LOC107303340 (3p25 von Hippel-Lindau tumor suppressor, E3 ubiquitin protein ligase Alu-mediated recombination region; plus strand). Cytogenetic location: 3p25.3.
Variant type: single nucleotide variant.
Coding change: c.*3021T>C on transcript NM_000551.4 (MANE Select); 3021 bases downstream of the stop codon, T replaced by C.
Molecular consequence: 3 prime UTR variant.
Genome position (GRCh38, 1-based): chr3:10,152,986, T>C. VCF-style: chr3-10152986-T-C. GRCh37 (hg19) VCF-style: chr3-10194670-T-C.
Other names: c.*3217T>C (NM_001354723.2); c.*3021T>C (NM_198156.3).
Identifiers: ClinVar variation 342493 (VCV000342493.5), dbSNP rs138933035, ClinGen allele CA10616718.

ClinVar aggregate classification (germline): Benign (1 of 4 stars; one submission).

Conditions:
Von Hippel-Lindau syndrome (VHLS). Also called: Von Hippel-Lindau; von Hippel–Lindau syndrome; VHL syndrome. Identifiers: Orphanet 892, MedGen C0019562, MONDO:0008667, OMIM 193300. Disease mechanism: loss of function.

Allele frequency attached by ClinVar (database versions not stated): 1000 Genomes Project 30x 0.00016; 1000 Genomes Project 0.00040; TOPMed 0.00282; gnomAD 0.00290 and 0.00296.
gnomAD v4.1: 431 of 150,222 alleles (0.29%); highest among the groups gnomAD compares: Non-Finnish European, 0.46%; 1 homozygote.

Submission:

Illumina Laboratory Services, Illumina
Classification: Benign for Von Hippel-Lindau syndrome. Last evaluated: 2018-01-12. Review status: criteria provided, single submitter. Criteria: ICSL Variant Classification Criteria 13 December 2019. Collection method: clinical testing. Allele origin: germline.
Comment: This variant was observed in the ICSL laboratory as part of a predisposition screen in an ostensibly healthy population. It had not been previously curated by ICSL or reported in the Human Gene Mutation Database (HGMD: prior to June 1st, 2018), and was therefore a candidate for classification through an automated scoring system. Utilizing variant allele frequency, disease prevalence and penetrance estimates, and inheritance mode, an automated score was calculated to assess if this variant is too frequent to cause the disease. Based on the score and internal cut-off values, a variant classified as benign is not then subjected to further curation. The score for this variant resulted in a classification of benign for this disease.